The following is an entry in ClinVar:

ClinVar aggregate classification (germline): Uncertain significance (1 of 4 stars; one submission).

Conditions:
Angelman syndrome (AS). Also called: HAPPY PUPPET SYNDROME. Identifiers: Orphanet 72, MedGen C0162635, MONDO:0007113, OMIM 105830. Disease mechanism: loss of function. Inheritance: imprinting disorder, AS is caused by disruption of maternally imprinted UBE3A located within the 15q11.2-q13 Angelman syndrome/Prader-Willi syndrome (AS/PWS) region..

Submission:

Labcorp Genetics (formerly Invitae), Labcorp
Classification: Uncertain significance for Angelman syndrome. Last evaluated: 2020-01-24. Review status: criteria provided, single submitter. Criteria: Invitae Variant Classification Sherloc (09022015). Collection method: clinical testing. Allele origin: germline.
Comment: In summary, the available evidence is currently insufficient to determine the role of this variant in disease. Therefore, it has been classified as a Variant of Uncertain Significance. Algorithms developed to predict the effect of missense changes on protein structure and function are either unavailable or do not agree on the potential impact of this missense change (SIFT: "Tolerated"; PolyPhen-2: "Benign"; Align-GVGD: "Class C0"). This variant has not been reported in the literature in individuals with UBE3A-related disease. This variant is not present in population databases (ExAC no frequency). This sequence change replaces aspartic acid with alanine at codon 122 of the UBE3A protein (p.Asp122Ala). The aspartic acid residue is highly conserved and there is a moderate physicochemical difference between aspartic acid and alanine.

NM_130839.5(UBE3A):c.425A>C (p.Asp142Ala)

Genes: SNHG14 (small nucleolar RNA host gene 14; plus strand), UBE3A (ubiquitin protein ligase E3A; minus strand). Cytogenetic location: 15q11.2.
Variant type: single nucleotide variant.
Coding change: c.425A>C on transcript NM_130839.5 (MANE Select); coding-DNA position 425, A replaced by C.
Protein change: p.Asp142Ala; replaces aspartic acid 142 with alanine.
Molecular consequence: missense variant. On other transcripts: non-coding transcript variant (1), intron variant (2).
Genome position (GRCh38, 1-based): chr15:25,371,749, T>G on the plus strand (A>C on the coding strand, the complement: UBE3A is on the minus strand). VCF-style: chr15-25371749-T-G. GRCh37 (hg19) VCF-style: chr15-25616896-T-G.
Other names: c.434A>C, p.Asp145Ala (NM_000462.5); c.425A>C, p.Asp142Ala (NM_001354505.1, NM_001354538.2, NM_001354545.2); c.365A>C, p.Asp122Ala (NM_001354506.2, NM_001354507.2, NM_001354508.2 and 17 more transcripts); c.248A>C, p.Asp83Ala (NM_001354546.2); c.301+3716A>C (NM_001354551.2); c.361+3716A>C (NM_001354550.2); short protein forms D122A, D142A, D145A, D83A.
Identifiers: ClinVar variation 661226 (VCV000661226.7), dbSNP rs1595815771, ClinGen allele CA391355886.